The following is an entry in ClinVar:

ClinVar aggregate classification (germline): Pathogenic (1 of 4 stars; one submission).

Submission:

Labcorp Genetics (formerly Invitae), Labcorp
Classification: Pathogenic. Last evaluated: 2023-09-08. Review status: criteria provided, single submitter. Criteria: Invitae Variant Classification Sherloc (09022015). Collection method: clinical testing. Allele origin: germline.
Comment: For these reasons, this variant has been classified as Pathogenic. This variant has not been reported in the literature in individuals affected with MLC1-related conditions. This variant is not present in population databases (gnomAD no frequency). This sequence change creates a premature translational stop signal (p.Met284Glufs*7) in the MLC1 gene. It is expected to result in an absent or disrupted protein product. Loss-of-function variants in MLC1 are known to be pathogenic (PMID: 11254442, 16470554, 24824219).

Literature cited by the submitters: PubMed 11254442; PubMed 16470554; PubMed 24824219.

NM_015166.4(MLC1):c.850_851del (p.Met284fs)

Gene: MLC1 (modulator of VRAC current 1; minus strand). Cytogenetic location: 22q13.33.
Variant type: Deletion.
Coding change: c.850_851del on transcript NM_015166.4 (MANE Select); coding-DNA positions 850 to 851, 2 bases deleted (AT; older notation c.850_851delAT).
Protein change: p.Met284fs; shifts the reading frame from methionine 284.
Molecular consequence: frameshift variant. On other transcripts: non-coding transcript variant (3).
Genome position (GRCh38, 1-based): chr22:50,068,476-50,068,477, AT deleted on the plus strand (AT on the coding strand, the reverse complement: MLC1 is on the minus strand). VCF-style (leftmost placement, unchanged base first): chr22-50068475-CAT-C. GRCh37 (hg19) VCF-style: chr22-50506904-CAT-C.
Other names: c.850_851del, p.Met284fs (NM_001376472.1, NM_001376473.1, NM_001376474.1 and 5 more transcripts); c.793_794del, p.Met265fs (NM_001376479.1); c.760_761del, p.Met254fs (NM_001376480.1); c.748_749del, p.Met250fs (NM_001376481.1); c.694_695del, p.Met232fs (NM_001376482.1, NM_001376483.1); c.613_614del, p.Met205fs (NM_001376484.1); short protein forms M205fs, M250fs, M265fs, M232fs, M254fs, M284fs.
Identifiers: ClinVar variation 2759060 (VCV002759060.3), dbSNP rs2518488062, ClinGen allele CA2697552832.
Genomic context (GRCh38, chr22:50,068,475, plus strand): 5'-AAATAAAATACAACTCACTTTTATGGCTGGCGGGTAATCCTTAAACATCTCCACGATTCT[CAT>C]GATGCTGAATGACAGATATCCAGAGGCTGTGAACAGCAGCGGAGACGTGAGGCTGCTTAT-3'